The following is an entry in ClinVar:

NM_017563.5(IL17RD):c.1860C>G (p.His620Gln)

Genes: IL17RD (interleukin 17 receptor D; minus strand), LOC126806689 (BRD4-independent group 4 enhancer GRCh37_chr3:57131244-57132443; plus strand). Cytogenetic location: 3p14.3.
Variant type: single nucleotide variant.
Coding change: c.1860C>G on transcript NM_017563.5 (MANE Select); coding-DNA position 1860, C replaced by G.
Protein change: p.His620Gln; replaces histidine 620 with glutamine.
Molecular consequence: missense variant.
Genome position (GRCh38, 1-based): chr3:57,097,843, G>C on the plus strand (C>G on the coding strand, the complement: IL17RD is on the minus strand). VCF-style: chr3-57097843-G-C. GRCh37 (hg19) VCF-style: chr3-57131871-G-C.
Other names: c.1428C>G, p.His476Gln (NM_001318864.2); short protein forms H476Q, H620Q.
Identifiers: ClinVar variation 3368882 (VCV003368882.2).

ClinVar aggregate classification (germline): Uncertain significance (1 of 4 stars; one submission).

gnomAD v4.1: 61 of 1,612,742 alleles (0.0038%); highest among the groups gnomAD compares: Middle Eastern, 0.099%; no homozygotes.

Submission:

GeneDx
Classification: Uncertain significance. Last evaluated: 2025-01-26. Review status: criteria provided, single submitter. Criteria: GeneDx Variant Classification Process June 2021. Collection method: clinical testing. Allele origin: germline.
Comment: In silico analysis indicates that this missense variant does not alter protein structure/function; Has not been previously published as pathogenic or benign to our knowledge